The following is an entry in ClinVar:

NM_000182.5(HADHA):c.180+3A>G

Gene: HADHA (hydroxyacyl-CoA dehydrogenase trifunctional multienzyme complex subunit alpha; minus strand). Cytogenetic location: 2p23.3.
Variant type: single nucleotide variant.
Coding change: c.180+3A>G on transcript NM_000182.5 (MANE Select); 3 bases into the intron after coding-DNA position 180, A replaced by G.
Molecular consequence: intron variant.
Genome position (GRCh38, 1-based): chr2:26,238,931, T>C on the plus strand (A>G on the coding strand, the complement: HADHA is on the minus strand). VCF-style: chr2-26238931-T-C. GRCh37 (hg19) VCF-style: chr2-26461799-T-C.
Other names: IVS3DS, A-G, +3.
Identifiers: ClinVar variation 8731 (VCV000008731.33), dbSNP rs781222705, ClinGen allele CA213113.

ClinVar aggregate classification (germline): Pathogenic/Likely pathogenic. Review status: criteria provided, multiple submitters, no conflicts (2 of 4 stars). 11 submissions from 11 submitters: Pathogenic (8); Likely pathogenic (1). 2 of the submissions do not count toward it. Last evaluated 2025-12-23.

Conditions:
Long chain 3-hydroxyacyl-CoA dehydrogenase deficiency. Also called: LCHAD Deficiency; Deficiency of long-chain 3-hydroxyacyl-coenzyme A dehydrogenase. Identifiers: Orphanet 5, MedGen C3711645, MONDO:0012173, OMIM 609016.
Mitochondrial trifunctional protein deficiency 1 (MTPD1). Identifiers: MedGen CN376812, MONDO:0958181, OMIM 609015.
Mitochondrial trifunctional protein deficiency. Identifiers: Orphanet 746, MedGen C1969443, MONDO:0012172.

Allele frequency attached by ClinVar (database versions not stated): TOPMed 0.00002; gnomAD exomes 0.00005; ExAC 0.00009.

Submissions (11):

Labcorp Genetics (formerly Invitae), Labcorp
Classification: Pathogenic for Mitochondrial trifunctional protein deficiency; Long chain 3-hydroxyacyl-CoA dehydrogenase deficiency. Last evaluated: 2025-12-23. Review status: criteria provided, single submitter. Criteria: Invitae Variant Classification Sherloc (09022015). Collection method: clinical testing. Allele origin: germline.
Comment: This sequence change falls in intron 3 of the HADHA gene. It does not directly change the encoded amino acid sequence of the HADHA protein. RNA analysis indicates that this variant induces altered splicing and may result in an absent or altered protein product. This variant is present in population databases (rs781222705, gnomAD 0.01%). This variant has been observed in individual(s) with mitochondrial trifunctional protein deficiency or long-chain 3-hydroxyacyl-CoA dehydrogenase deficiency (PMID: 7738175, 23868323, 26109258, 27491397). In at least one individual the data is consistent with being in trans (on the opposite chromosome) from a pathogenic variant. ClinVar contains an entry for this variant (Variation ID: 8731). Variants that disrupt the consensus splice site are a relatively common cause of aberrant splicing (PMID: 17576681, 9536098). Studies have shown that this variant results in skipping of exon 3, and produces a non-functional protein and/or introduces a premature termination codon (PMID: 7738175). For these reasons, this variant has been classified as Pathogenic.

Natera, Inc.
Classification: Pathogenic for Deficiency of long-chain 3-hydroxyacyl-coenzyme A dehydrogenase. Last evaluated: 2025-08-25. Review status: criteria provided, single submitter. Criteria: Natera Variant Classification Schema (03/2026). Collection method: clinical testing. Allele origin: germline.
Comment: The c.180+3A>G variant in HADHA is an intronic variant located outside the canonical splice sites. This variant is rare in the general population with a frequency below the threshold expected for the associated phenotype(s). This variant has been observed in one or more individuals affected with the associated recessive disease, as either homozygous or compound heterozygous with a second variant (PMID: 10352164, 23868323, 26109258, 23596069, 33123633). Functional studies show that this variant may disrupt protein function (PMID: 7738175). Computational prediction algorithms indicate this variant is likely to affect gene or protein function. Given the available evidence, this variant is classified as Pathogenic.

GeneDx
Classification: Pathogenic. Last evaluated: 2025-04-14. Review status: criteria provided, single submitter. Criteria: GeneDx Variant Classification Process June 2021. Collection method: clinical testing. Allele origin: germline. Affected: yes.
Comment: Has also been reported with phase unknown with a second variant in adult patient with recurrent rhabdomyolysis and elevated long-chain and 3-hydroxy long chain acylcarnitine on biochemical testing (PMID: 23868323); This variant has also been seen in fibroblast cell lines derived from patients with mitochondrial trifunctional protein (PMID: 26109258); Non-canonical splice site variant demonstrated to result in loss of function (PMID: 7738175); Not observed at significant frequency in large population cohorts (gnomAD); This variant is associated with the following publications: (PMID: 25525159, 17726045, 27491397, 31980526, 26109258, 7738175, 23868323, 38623632, 39686973)

Baylor Genetics
Classification: Pathogenic for Long chain 3-hydroxyacyl-CoA dehydrogenase deficiency. Last evaluated: 2024-03-16. Review status: criteria provided, single submitter. Criteria: ACMG Guidelines, 2015. Collection method: clinical testing. Allele origin: unknown.

Fulgent Genetics
Classification: Pathogenic for Mitochondrial trifunctional protein deficiency 1; Long chain 3-hydroxyacyl-CoA dehydrogenase deficiency. Last evaluated: 2024-02-28. Review status: criteria provided, single submitter. Criteria: ACMG Guidelines, 2015. Collection method: clinical testing. Allele origin: germline.

Revvity Omics, Revvity
Classification: Likely pathogenic. Last evaluated: 2022-07-08. Review status: criteria provided, single submitter. Criteria: ACMG Guidelines, 2015. Collection method: clinical testing. Allele origin: germline.

Women's Health and Genetics/Laboratory Corporation of America, LabCorp
Classification: Pathogenic for Long-chain 3-hydroxyacyl-CoA dehydrogenase deficiency. Last evaluated: 2020-07-02. Review status: criteria provided, single submitter. Criteria: LabCorp Variant Classification Summary - May 2015. Collection method: clinical testing. Allele origin: germline.
Comment: Variant summary: HADHA c.180+3A>G alters a conserved nucleotide located close to a canonical splice site and therefore could affect mRNA splicing, leading to a significantly altered protein sequence. Several computational tools predict a significant impact on normal splicing: Two predict the variant weakens a 5' donor site and one predicts the variant abolishes a 5 splicing donor site. Experimental evidence supports these predictions demonstrating the variant causes skipping of exon 3 resulting in premature stop codon (Brackett_1995). The variant allele was found at a frequency of 5.2e-05 in 251376 control chromosomes (gnomAD). This frequency is not higher than expected for a pathogenic variant in HADHA causing Long Chain 3-Hydroxyacyl-CoA Dehydrogenase Deficiency (5.2e-05 vs 0.0019), allowing no conclusion about variant significance. c.180+3A>G has been reported in the literature in individuals affected with Mitochondrial Trifunctional Protein Deficiency and Long Chain 3-Hydroxyacyl-CoA Dehydrogenase Deficiency (e.g. Brackett_1995, Boese_2016, Djouadi_2016, Liewluck_2013). These data indicate that the variant is likely to be associated with disease. Four ClinVar submitters (evaluation after 2014) cite the variant as pathogenic/likely pathogenic. Based on the evidence outlined above, the variant was classified as pathogenic.

Eurofins Ntd Llc (ga)
Classification: Pathogenic. Last evaluated: 2014-10-13. Review status: criteria provided, single submitter. Criteria: EGL Classification Definitions 2015. Collection method: clinical testing. Allele origin: germline. Observed: 2 variant alleles, 2 heterozygotes.

Juno Genomics, Hangzhou Juno Genomics, Inc
Classification: Pathogenic for Mitochondrial trifunctional protein deficiency 1. Review status: criteria provided, single submitter. Criteria: ACMG Guidelines, 2015. Collection method: clinical testing. Allele origin: germline.
Comment: Absent from controls (or at extremely low frequency if recessive) in Genome Aggregation Database.;Well-established in vitro or in vivo functional studies supportive of a damaging effect on the gene or gene product.;For recessive disorders, detected in trans with a pathogenic variant.;Patient's phenotype or family history is highly specific for a disease with a single genetic etiology.

Counsyl
Classification: Likely pathogenic for Long chain 3-hydroxyacyl-CoA dehydrogenase deficiency. Last evaluated: 2015-09-11. Review status: no assertion criteria provided. Collection method: clinical testing. Allele origin: unknown. Not counted in ClinVar's aggregate classification.

OMIM
Classification: Pathogenic for MITOCHONDRIAL TRIFUNCTIONAL PROTEIN DEFICIENCY 1. Last evaluated: 1995-05-01. Review status: no assertion criteria provided. Collection method: literature only. Allele origin: germline. Not counted in ClinVar's aggregate classification.

Literature cited by the submitters: PubMed 7738175 (cited by 6 submitters); PubMed 23868323 (cited by 5 submitters); PubMed 26109258 (cited by 4 submitters); PubMed 27491397 (cited by Labcorp Genetics (formerly Invitae), Labcorp and Women's Health and Genetics/Laboratory Corporation of America, LabCorp); PubMed 17576681 (cited by Labcorp Genetics (formerly Invitae), Labcorp); PubMed 9536098 (cited by Labcorp Genetics (formerly Invitae), Labcorp); PubMed 10352164 (cited by Natera, Inc.); PubMed 23596069 (cited by Natera, Inc.); PubMed 33123633 (cited by Natera, Inc.).